The following is an entry in ClinVar:

ClinVar aggregate classification (germline): Likely pathogenic (1 of 4 stars; one submission).

Conditions:
Factor VIII deficiency. Identifiers: MedGen C3494187, OMIM 134500.

Submission:

North West Genomic Laboratory Hub, Manchester University NHS Foundation Trust
Classification: Likely pathogenic for Factor VIII deficiency. Last evaluated: 2024-09-03. Review status: criteria provided, single submitter. Criteria: ACGS Best Practice Guidelines for Variant Classification in Rare Disease 2020. Collection method: clinical testing. Allele origin: germline. Affected: yes.
Comment: PP4_Mod PVS1_Mod PM2_Mod

NM_000132.4(F8):c.144-1_144del

Gene: F8 (coagulation factor VIII; minus strand). Cytogenetic location: Xq28.
Variant type: Deletion.
Coding change: c.144-1_144del on transcript NM_000132.4 (MANE Select); the canonical splice acceptor site of the intron before coding-DNA position 144 through coding-DNA position 144, 2 bases deleted (GA; older notation c.144-1_144delGA).
Molecular consequence: splice acceptor variant.
Genome position (GRCh38, 1-based): chrX:154,999,600-154,999,601, TC deleted on the plus strand (GA on the coding strand, the reverse complement: F8 is on the minus strand); deleting any 2 consecutive bases within chrX:154,999,600-154,999,602 gives the same sequence; the c. name uses the placement nearest the transcript's 3' end. VCF-style (leftmost placement, unchanged base first): chrX-154999599-ATC-A. GRCh37 (hg19) VCF-style: chrX-154227874-ATC-A.
Identifiers: ClinVar variation 4853808 (VCV004853808.1).
Genomic context (GRCh38, chrX:154,999,599, plus strand): 5'-GAGTCTTTTTGTACACGACTGAGGTGTTGAATGGAAAAGATTTTGGCACTCTAGGAGGAA[ATC>A]TGCGTGAAGAAAGGAAAAAGTCGTTCATTTTGGTGGACACTTCAAAAAGCAGCTGGAAGT-3'